The following is an entry in ClinVar:

ClinVar aggregate classification (germline): Uncertain significance (1 of 4 stars; one submission).

Conditions:
Spastic paraplegia. Identifiers: MedGen C0037772, HP:0001258.

Allele frequency attached by ClinVar (database versions not stated): TOPMed below 0.00001; ExAC 0.00001; gnomAD 0.00001; ESP Exome Variant Server 0.00009.
gnomAD v4.1: 1 of 1,207,462 alleles (0.000083%); highest among the groups gnomAD compares: Non-Finnish European, 0.00011%; no homozygotes.

Submission:

Labcorp Genetics (formerly Invitae), Labcorp
Classification: Uncertain significance for Spastic paraplegia. Last evaluated: 2023-11-08. Review status: criteria provided, single submitter. Criteria: Invitae Variant Classification Sherloc (09022015). Collection method: clinical testing. Allele origin: germline.
Comment: This sequence change replaces glycine, which is neutral and non-polar, with cysteine, which is neutral and slightly polar, at codon 1349 of the KDM5C protein (p.Gly1349Cys). This variant is not present in population databases (gnomAD no frequency). This variant has not been reported in the literature in individuals affected with KDM5C-related conditions. Advanced modeling of protein sequence and biophysical properties (such as structural, functional, and spatial information, amino acid conservation, physicochemical variation, residue mobility, and thermodynamic stability) performed at Invitae indicates that this missense variant is not expected to disrupt KDM5C protein function with a negative predictive value of 95%. In summary, the available evidence is currently insufficient to determine the role of this variant in disease. Therefore, it has been classified as a Variant of Uncertain Significance.

NM_004187.5(KDM5C):c.4045G>T (p.Gly1349Cys)

Gene: KDM5C (lysine demethylase 5C; minus strand). Cytogenetic location: Xp11.22.
Variant type: single nucleotide variant.
Coding change: c.4045G>T on transcript NM_004187.5 (MANE Select); coding-DNA position 4045, G replaced by T.
Protein change: p.Gly1349Cys; replaces glycine 1349 with cysteine.
Molecular consequence: missense variant. On other transcripts: non-coding transcript variant (3).
Genome position (GRCh38, 1-based): chrX:53,193,845, C>A on the plus strand (G>T on the coding strand, the complement: KDM5C is on the minus strand). VCF-style: chrX-53193845-C-A. GRCh37 (hg19) VCF-style: chrX-53223027-C-A.
Other names: c.3844G>T, p.Gly1282Cys (NM_001146702.2); c.4042G>T, p.Gly1348Cys (NM_001282622.3, NM_001353979.2, NM_001353982.2); c.4045G>T, p.Gly1349Cys (NM_001353978.3, NM_001353981.2, NM_001353984.2); short protein forms G1348C, G1282C, G1349C.
Identifiers: ClinVar variation 3020390 (VCV003020390.3), dbSNP rs145653335, ClinGen allele CA10419141.
Genomic context (GRCh38, chrX:53,193,845, plus strand): 5'-AGCCCTCCTCCGGGGCTACCTTCTCAGGACTGGTCACACTGTCTCCATTCTCCAGTAAGC[C>A]CTGGACCTGCGGAGGAGAGCAAGAATAGGTAGGGGCAACTGAAGTGAAGAACCAGGCCCT-3'
Protein context (NP_004178.2, residues 1339-1359): GSGKDMPKVQ[Gly1349Cys]LLENGDSVTS